The following is an entry in ClinVar:

NM_000384.3(APOB):c.7001T>C (p.Ile2334Thr)

Gene: APOB (apolipoprotein B; minus strand). Cytogenetic location: 2p24.1.
Variant type: single nucleotide variant.
Coding change: c.7001T>C on transcript NM_000384.3 (MANE Select); coding-DNA position 7001, T replaced by C.
Protein change: p.Ile2334Thr; replaces isoleucine 2334 with threonine.
Molecular consequence: missense variant.
Genome position (GRCh38, 1-based): chr2:21,009,867, A>G on the plus strand (T>C on the coding strand, the complement: APOB is on the minus strand). VCF-style: chr2-21009867-A-G. GRCh37 (hg19) VCF-style: chr2-21232739-A-G.
Other names: short protein forms I2334T.
Identifiers: ClinVar variation 2565839 (VCV002565839.3), dbSNP rs2465370139, ClinGen allele CA345999924.

ClinVar aggregate classification (germline): Uncertain significance. Review status: criteria provided, multiple submitters, no conflicts (2 of 4 stars). 2 submissions from 2 submitters: Uncertain significance (2). Last evaluated 2023-03-27.

Conditions:
Cardiovascular phenotype. Identifiers: MedGen CN230736.

Submissions (2):

Ambry Genetics
Classification: Uncertain significance for Cardiovascular phenotype. Last evaluated: 2023-03-27. Review status: criteria provided, single submitter. Criteria: Ambry Variant Classification Scheme 2023. Collection method: clinical testing. Allele origin: germline.
Comment: The p.I2334T variant (also known as c.7001T>C), located in coding exon 26 of the APOB gene, results from a T to C substitution at nucleotide position 7001. The isoleucine at codon 2334 is replaced by threonine, an amino acid with similar properties. This amino acid position is conserved. In addition, this alteration is predicted to be tolerated by in silico analysis. Since supporting evidence is limited at this time, the clinical significance of this alteration remains unclear.

Blueprint Genetics
Classification: Uncertain significance. Last evaluated: 2022-09-14. Review status: criteria provided, single submitter. Criteria: ACMG Guidelines, 2015. Collection method: clinical testing. Allele origin: germline.